The following is an entry in ClinVar:

ClinVar aggregate classification (germline): Benign. Review status: reviewed by expert panel (3 of 4 stars). 22 submissions from 21 submitters: Benign (1). 21 of the submissions do not count toward it. Last evaluated 2017-04-18.

Conditions:
Noonan syndrome and Noonan-related syndrome. Identifiers: Orphanet 98733, MedGen C5681679, MONDO:0020297.
Cardiovascular phenotype. Identifiers: MedGen CN230736.
Noonan syndrome 4 (NS4). Also called: NOONAN SYNDROME WITH PIGMENTED VILLONODULAR SYNOVITIS; SOS1-Related Noonan Syndrome. Identifiers: Orphanet 648, MedGen C1853120, MONDO:0012547, OMIM 610733.
Fibromatosis, gingival, 1 (GINGF1). Identifiers: Orphanet 2024, MedGen C4551558, MONDO:0007609, OMIM 135300.
RASopathy. Also called: rasopathies; Noonan spectrum disorder. Identifiers: Orphanet 536391, MedGen C5555857, MONDO:0021060.

Allele frequency attached by ClinVar (database versions not stated): 1000 Genomes Project 30x 0.00219; TOPMed 0.00563; gnomAD 0.00637 and 0.00655; gnomAD exomes 0.00809 and 0.00668; 1000 Genomes Project 0.00280; ESP Exome Variant Server 0.00584; ExAC 0.00979.
gnomAD v4.1: 12,530 of 1,597,144 alleles (0.78%); highest among the groups gnomAD compares: Non-Finnish European, 0.97%; 61 homozygotes.

Submissions 1 to 21 of 36:

ClinGen RASopathy Variant Curation Expert Panel
Classification: Benign for Noonan syndrome and Noonan-related syndrome. Last evaluated: 2017-04-18. Review status: reviewed by expert panel. Criteria: ClinGen RASopathy ACMG Specifications v1. Collection method: curation. Allele origin: germline. Inheritance: Autosomal dominant inheritance.
Comment: The filtering allele frequency of the c.1074+5G>C variant in the SOS1 gene is 1.551% (837/50942) of European chromosomes by the Exome Aggregation Consortium, which is a high enough frequency to be classified as benign based on thresholds defined by the ClinGen RASopathy Expert Panel (BA1; PMID:29493581)

CeGaT Center for Human Genetics Tuebingen
Classification: Benign. Last evaluated: 2026-10-01. Review status: criteria provided, single submitter. Criteria: CeGaT Center For Human Genetics Tuebingen Variant Classification Criteria Version 2. Collection method: clinical testing. Allele origin: germline. Affected: yes. Observed: 65 variant alleles. Not counted in ClinVar's aggregate classification.
Comment: SOS1: BP4, BS1, BS2

Labcorp Genetics (formerly Invitae), Labcorp
Classification: Benign for RASopathy. Last evaluated: 2026-02-03. Review status: criteria provided, single submitter. Criteria: Invitae Variant Classification Sherloc (09022015). Collection method: clinical testing. Allele origin: germline. Not counted in ClinVar's aggregate classification.

ARUP Laboratories, Molecular Genetics and Genomics, ARUP Laboratories
Classification: Benign. Last evaluated: 2025-04-04. Review status: criteria provided, single submitter. Criteria: ARUP Molecular Germline Variant Investigation Process 2024. Collection method: clinical testing. Allele origin: germline. Not counted in ClinVar's aggregate classification.

Blueprint Genetics
Classification: Likely benign. Last evaluated: 2024-11-26. Review status: criteria provided, single submitter. Criteria: ACMG Guidelines, 2015. Collection method: clinical testing. Allele origin: germline. Not counted in ClinVar's aggregate classification.

Fulgent Genetics
Classification: Benign for Fibromatosis, gingival, 1; Noonan syndrome 4. Last evaluated: 2021-10-08. Review status: criteria provided, single submitter. Criteria: ACMG Guidelines, 2015. Collection method: clinical testing. Allele origin: unknown. Not counted in ClinVar's aggregate classification.

Genome Diagnostics Laboratory, The Hospital for Sick Children
Classification: Benign for Noonan syndrome and Noonan-related syndrome. Last evaluated: 2021-05-28. Review status: criteria provided, single submitter. Criteria: ACMG Guidelines, 2015. Collection method: clinical testing. Allele origin: germline. Not counted in ClinVar's aggregate classification.

Illumina Laboratory Services, Illumina
Classification: Likely benign for Noonan syndrome 4. Last evaluated: 2018-01-12. Review status: criteria provided, single submitter. Criteria: ICSL Variant Classification Criteria 13 December 2019. Collection method: clinical testing. Allele origin: germline. Not counted in ClinVar's aggregate classification.
Comment: This variant was observed in the ICSL laboratory as part of a predisposition screen in an ostensibly healthy population. It had not been previously curated by ICSL or reported in the Human Gene Mutation Database (HGMD: prior to June 1st, 2018), and was therefore a candidate for classification through an automated scoring system. Utilizing variant allele frequency, disease prevalence and penetrance estimates, and inheritance mode, an automated score was calculated to assess if this variant is too frequent to cause the disease. Based on the score and internal cut-off values, a variant classified as likely benign is not then subjected to further curation. The score for this variant resulted in a classification of likely benign for this disease.

Illumina Laboratory Services, Illumina
Classification: Benign for Fibromatosis, gingival, 1. Last evaluated: 2018-01-12. Review status: criteria provided, single submitter. Criteria: ICSL Variant Classification Criteria 13 December 2019. Collection method: clinical testing. Allele origin: germline. Not counted in ClinVar's aggregate classification.
Comment: This variant was observed in the ICSL laboratory as part of a predisposition screen in an ostensibly healthy population. It had not been previously curated by ICSL or reported in the Human Gene Mutation Database (HGMD: prior to June 1st, 2018), and was therefore a candidate for classification through an automated scoring system. Utilizing variant allele frequency, disease prevalence and penetrance estimates, and inheritance mode, an automated score was calculated to assess if this variant is too frequent to cause the disease. Based on the score and internal cut-off values, a variant classified as benign is not then subjected to further curation. The score for this variant resulted in a classification of benign for this disease.

Ambry Genetics
Classification: Benign for Cardiovascular phenotype. Last evaluated: 2016-05-13. Review status: criteria provided, single submitter. Criteria: Ambry Variant Classification Scheme 2023. Collection method: clinical testing. Allele origin: germline. Not counted in ClinVar's aggregate classification.

Center for Pediatric Genomic Medicine, Children's Mercy Hospital and Clinics
Classification: Likely benign. Last evaluated: 2016-04-21. Review status: criteria provided, single submitter. Criteria: ACMG Guidelines, 2015. Collection method: clinical testing. Allele origin: germline. Not counted in ClinVar's aggregate classification.
ClinVar note: Converted during submission from Likely Benign to Likely benign.

Mayo Clinic Laboratories, Mayo Clinic
Classification: Benign. Last evaluated: 2015-05-22. Review status: criteria provided, single submitter. Criteria: ACMG Guidelines, 2015. Collection method: clinical testing. Allele origin: germline. Observed: 25 variant alleles. Not counted in ClinVar's aggregate classification.

Eurofins Ntd Llc (ga)
Classification: Benign. Last evaluated: 2013-05-22. Review status: criteria provided, single submitter. Criteria: EGL Classification Definitions 2015. Collection method: clinical testing. Allele origin: germline. Observed: 1 variant allele, 1 heterozygote. Not counted in ClinVar's aggregate classification.

GeneDx
Classification: Benign. Last evaluated: 2011-12-19. Review status: criteria provided, single submitter. Criteria: GeneDx Variant Classification (06012015). Collection method: clinical testing. Allele origin: germline. Affected: yes. Not counted in ClinVar's aggregate classification.
Comment: This variant is considered likely benign or benign based on one or more of the following criteria: it is a conservative change, it occurs at a poorly conserved position in the protein, it is predicted to be benign by multiple in silico algorithms, and/or has population frequency not consistent with disease.

Laboratory for Molecular Medicine, Mass General Brigham Personalized Medicine
Classification: Benign. Last evaluated: 2011-03-25. Review status: criteria provided, single submitter. Criteria: LMM Criteria. Collection method: clinical testing. Allele origin: germline. Observed: 41 variant alleles. Not counted in ClinVar's aggregate classification.
Comment: 1074+5G>C in intron 8 of SOS1: This variant has not been previously reported in the literature. However, this variant has been identified in 12/1154 (1%) of ind ividual's tested by our laboratory, two of whom have a pathogenic variant in PTP N11. In addition, this variant is located in the 5' splice region but does not a ffect the highly conserved +1 and +2 positions. However, positions +3 to +6 are part of the splicing consensus sequence and variants involving these positions s ometimes affect splicing. This type of variant has not been previously reported as pathogenic in SOS1. Therefore, this variant is likely to be benign.

PreventionGenetics, part of Exact Sciences
Classification: Benign. Last evaluated: 2010-07-01. Review status: criteria provided, single submitter. Criteria: ACMG Guidelines, 2015. Collection method: clinical testing. Allele origin: germline. Not counted in ClinVar's aggregate classification.

Greenwood Genetic Center Diagnostic Laboratories, Greenwood Genetic Center
Classification: Benign. Last evaluated: 2015-01-15. Review status: no assertion criteria provided. Collection method: clinical testing. Allele origin: germline. Not counted in ClinVar's aggregate classification.

Clinical Genetics, Academic Medical Center
Classification: Benign. Review status: no assertion criteria provided. Collection method: clinical testing. Allele origin: germline. Affected: yes. Study: VKGL Data-share Consensus. Not counted in ClinVar's aggregate classification.

Dr. Peter K. Rogan Lab, Western University
No classification provided (evidence only). Condition: Lung cancer. Review status: no classification provided. Collection method: in vitro. Allele origin: not applicable. Functional consequence: retained intron. Not counted in ClinVar's aggregate classification.

Dr. Peter K. Rogan Lab, Western University
No classification provided (evidence only). Condition: Familial cancer of breast. Review status: no classification provided. Collection method: in vitro. Allele origin: not applicable. Functional consequence: retained intron. Not counted in ClinVar's aggregate classification.

Dr. Peter K. Rogan Lab, Western University
No classification provided (evidence only). Condition: Acute myeloid leukemia. Review status: no classification provided. Collection method: in vitro. Allele origin: not applicable. Functional consequence: retained intron. Not counted in ClinVar's aggregate classification.

NM_005633.4(SOS1):c.1074+5G>C

Gene: SOS1 (SOS Ras/Rac guanine nucleotide exchange factor 1; minus strand). Cytogenetic location: 2p22.1.
Variant type: single nucleotide variant.
Coding change: c.1074+5G>C on transcript NM_005633.4 (MANE Select); 5 bases into the intron after coding-DNA position 1074, G replaced by C.
Molecular consequence: intron variant.
Genome position (GRCh38, 1-based): chr2:39,035,207, C>G on the plus strand (G>C on the coding strand, the complement: SOS1 is on the minus strand). VCF-style: chr2-39035207-C-G. GRCh37 (hg19) VCF-style: chr2-39262348-C-G.
Other names: c.1053+5G>C (NM_001382394.1); c.1074+5G>C (NM_001382395.1).
Identifiers: ClinVar variation 45343 (VCV000045343.80), dbSNP rs145155424, ClinGen allele CA136073.